The following is an entry in ClinVar:

NM_133372.3(FNIP1):c.2899C>A (p.Gln967Lys)

Gene: FNIP1 (folliculin interacting protein 1; minus strand). Cytogenetic location: 5q31.1.
Variant type: single nucleotide variant.
Coding change: c.2899C>A on transcript NM_133372.3 (MANE Select); coding-DNA position 2899, C replaced by A.
Protein change: p.Gln967Lys; replaces glutamine 967 with lysine.
Molecular consequence: missense variant.
Genome position (GRCh38, 1-based): chr5:131,671,545, G>T on the plus strand (C>A on the coding strand, the complement: FNIP1 is on the minus strand). VCF-style: chr5-131671545-G-T. GRCh37 (hg19) VCF-style: chr5-131007238-G-T.
Other names: c.2815C>A, p.Gln939Lys (NM_001008738.3); c.2764C>A, p.Gln922Lys (NM_001346114.2); short protein forms Q967K, Q939K, Q922K.
Identifiers: ClinVar variation 2010810 (VCV002010810.4), dbSNP rs2532125354, ClinGen allele CA360787104.

ClinVar aggregate classification (germline): Uncertain significance (1 of 4 stars; one submission).

Submission:

Labcorp Genetics (formerly Invitae), Labcorp
Classification: Uncertain significance. Last evaluated: 2022-06-26. Review status: criteria provided, single submitter. Criteria: Invitae Variant Classification Sherloc (09022015). Collection method: clinical testing. Allele origin: germline.
Comment: This variant is not present in population databases (gnomAD no frequency). In summary, the available evidence is currently insufficient to determine the role of this variant in disease. Therefore, it has been classified as a Variant of Uncertain Significance. Algorithms developed to predict the effect of missense changes on protein structure and function (SIFT, PolyPhen-2, Align-GVGD) all suggest that this variant is likely to be tolerated. This variant has not been reported in the literature in individuals affected with FNIP1-related conditions. This sequence change replaces glutamine, which is neutral and polar, with lysine, which is basic and polar, at codon 967 of the FNIP1 protein (p.Gln967Lys).